The following is an entry in ClinVar:

NM_003332.4(TYROBP):c.119C>T (p.Pro40Leu)

Gene: TYROBP (transmembrane immune signaling adaptor TYROBP; minus strand). Cytogenetic location: 19q13.12.
Variant type: single nucleotide variant.
Coding change: c.119C>T on transcript NM_003332.4 (MANE Select); coding-DNA position 119, C replaced by T.
Protein change: p.Pro40Leu; replaces proline 40 with leucine.
Molecular consequence: missense variant. On other transcripts: non-coding transcript variant (1).
Genome position (GRCh38, 1-based): chr19:35,907,556, G>A on the plus strand (C>T on the coding strand, the complement: TYROBP is on the minus strand). VCF-style: chr19-35907556-G-A. GRCh37 (hg19) VCF-style: chr19-36398458-G-A.
Other names: c.119C>T (NM_003332.3); c.86C>T, p.Pro29Leu (NM_001173514.2, NM_001173515.2); c.119C>T, p.Pro40Leu (NM_198125.3); short protein forms P40L, P29L.
Identifiers: ClinVar variation 595538 (VCV000595538.12), dbSNP rs201680032, ClinGen allele CA9393100.

ClinVar aggregate classification (germline): Uncertain significance. Review status: criteria provided, multiple submitters, no conflicts (2 of 4 stars). 4 submissions from 4 submitters: Uncertain significance (4). Last evaluated 2025-12-08.

Conditions:
Inborn genetic diseases. Identifiers: MedGen C0950123, MeSH D030342.

Allele frequency attached by ClinVar (database versions not stated): gnomAD 0.00001 and 0.00002; TOPMed 0.00004; ESP Exome Variant Server 0.00008; 1000 Genomes Project 0.00020; 1000 Genomes Project 30x 0.00031.
gnomAD v4.1: 75 of 1,613,886 alleles (0.0046%); highest among the groups gnomAD compares: Middle Eastern, 0.4%; 1 homozygote.

Submissions (4):

Labcorp Genetics (formerly Invitae), Labcorp
Classification: Uncertain significance. Last evaluated: 2025-12-08. Review status: criteria provided, single submitter. Criteria: Invitae Variant Classification Sherloc (09022015). Collection method: clinical testing. Allele origin: germline.
Comment: This sequence change replaces proline, which is neutral and non-polar, with leucine, which is neutral and non-polar, at codon 40 of the TYROBP protein (p.Pro40Leu). This variant is present in population databases (rs201680032, gnomAD 0.01%). This variant has not been reported in the literature in individuals affected with TYROBP-related conditions. ClinVar contains an entry for this variant (Variation ID: 595538). An algorithm developed to predict the effect of missense changes on protein structure and function (PolyPhen-2) suggests that this variant is likely to be disruptive. In summary, the available evidence is currently insufficient to determine the role of this variant in disease. Therefore, it has been classified as a Variant of Uncertain Significance.

Ambry Genetics
Classification: Uncertain significance for Inborn genetic diseases. Last evaluated: 2025-04-09. Review status: criteria provided, single submitter. Criteria: Ambry Variant Classification Scheme 2023. Collection method: clinical testing. Allele origin: germline.

Eurofins Ntd Llc (ga)
Classification: Uncertain significance. Last evaluated: 2018-01-02. Review status: criteria provided, single submitter. Criteria: EGL Classification Definitions 2015. Collection method: clinical testing. Allele origin: germline. Observed: 2 variant alleles, 2 heterozygotes.

Breakthrough Genomics
Classification: Uncertain significance. Review status: criteria provided, single submitter. Criteria: ACMG Guidelines, 2015. Collection method: not provided. Allele origin: germline. Inheritance: Autosomal dominant inheritance. Affected: yes.